The following is an entry in ClinVar:

NM_000218.3(KCNQ1):c.1332G>A (p.Thr444=)

Gene: KCNQ1 (potassium voltage-gated channel subfamily Q member 1; plus strand). Cytogenetic location: 11p15.5.
Variant type: single nucleotide variant.
Coding change: c.1332G>A on transcript NM_000218.3 (MANE Select); coding-DNA position 1332, G replaced by A.
Protein change: p.Thr444=; no amino-acid change (threonine 444 retained).
Molecular consequence: synonymous variant.
Genome position (GRCh38, 1-based): chr11:2,588,793, G>A. VCF-style: chr11-2588793-G-A. GRCh37 (hg19) VCF-style: chr11-2610023-G-A.
Other names: p.Thr444=; c.1236G>A, p.Thr412= (NM_001406836.1); c.1062G>A, p.Thr354= (NM_001406837.1); c.792G>A, p.Thr264= (NM_001406838.1); c.951G>A, p.Thr317= (NM_181798.2).
Identifiers: ClinVar variation 378018 (VCV000378018.30), dbSNP rs144985256, ClinGen allele CA028654.

ClinVar aggregate classification (germline): Benign/Likely benign. Review status: criteria provided, multiple submitters, no conflicts (2 of 4 stars). 9 submissions from 9 submitters: Benign (4); Likely benign (4). 1 of the submissions does not count toward it. Last evaluated 2026-01-29.

Conditions:
Cardiac arrhythmia. Also called: Cardiac rhythm disease; Arrhythmia. Identifiers: MedGen C0003811, MONDO:0007263, HP:0011675.
KCNQ1-related disorder. Also called: KCNQ1-related condition; KCNQ1-related disorders. Identifiers: MedGen CN239322.
Cardiovascular phenotype. Identifiers: MedGen CN230736.
Atrial fibrillation, familial, 3 (ATFB3). Identifiers: MedGen C1837014, MONDO:0011857, OMIM 607554.
Beckwith-Wiedemann syndrome (BWS). Also called: Exomphalos macroglossia gigantism syndrome; EMG SYNDROME. Identifiers: Orphanet 116, MedGen C0004903, MONDO:0007534, OMIM 130650.
Long QT syndrome 1 (LQT1). Identifiers: Orphanet 101016, Orphanet 768, MedGen C4551647, MONDO:0100316, OMIM 192500, MONDO:0008646.
Jervell and Lange-Nielsen syndrome 1 (JLNS1). Also called: PROLONGED QT INTERVAL IN EKG AND SUDDEN DEATH; SURDO-CARDIAC SYNDROME; DEAFNESS, CONGENITAL, AND FUNCTIONAL HEART DISEASE; CARDIOAUDITORY SYNDROME OF JERVELL AND LANGE-NIELSEN. Identifiers: Orphanet 768, Orphanet 90647, MedGen C4551509, MONDO:0024540, OMIM 220400.
Short QT syndrome type 2. Identifiers: Orphanet 51083, MedGen C1865019, MONDO:0012313, OMIM 609621.
Long QT syndrome (LQTS). Identifiers: MedGen C0023976, MeSH D008133, MONDO:0002442. Disease mechanism: loss of function. Inheritance: Various modes of inheritance.

Allele frequency attached by ClinVar (database versions not stated): gnomAD 0.00047 and 0.00054; TOPMed 0.00055; ESP Exome Variant Server 0.00077.
gnomAD v4.1: 171 of 1,613,310 alleles (0.011%); highest among the groups gnomAD compares: African/African-American, 0.13%; no homozygotes.

Submissions (9):

Labcorp Genetics (formerly Invitae), Labcorp
Classification: Benign for Long QT syndrome. Last evaluated: 2026-01-29. Review status: criteria provided, single submitter. Criteria: Invitae Variant Classification Sherloc (09022015). Collection method: clinical testing. Allele origin: germline.

Mayo Clinic Laboratories, Mayo Clinic
Classification: Likely benign. Last evaluated: 2025-10-23. Review status: criteria provided, single submitter. Criteria: ACMG Guidelines, 2015. Collection method: clinical testing. Allele origin: germline. Observed: 2 variant alleles.
Comment: BS1, BP4, BP7

All of Us Research Program, National Institutes of Health
Classification: Benign for Long QT syndrome. Last evaluated: 2024-02-05. Review status: criteria provided, single submitter. Criteria: ACMG Guidelines, 2015. Collection method: clinical testing. Allele origin: germline. Inheritance: Autosomal dominant inheritance. Observed: 28 variant alleles, 28 heterozygotes.
Comment: This study involves interpretation of variants in research participants for the purpose of population health screening. Participant phenotype was not available at the time of variant classification. Additional details can be found in publication PMID: 35346344, PMCID: PMC8962531

Fulgent Genetics
Classification: Likely benign for Beckwith-Wiedemann syndrome; Long QT syndrome 1; Jervell and Lange-Nielsen syndrome 1; Atrial fibrillation, familial, 3; Short QT syndrome type 2. Last evaluated: 2021-09-21. Review status: criteria provided, single submitter. Criteria: ACMG Guidelines, 2015. Collection method: clinical testing. Allele origin: unknown.

ARUP Laboratories, Molecular Genetics and Genomics, ARUP Laboratories
Classification: Likely benign. Last evaluated: 2020-03-18. Review status: criteria provided, single submitter. Criteria: ARUP Molecular Germline Variant Investigation Process. Collection method: clinical testing. Allele origin: germline.

Color Diagnostics, LLC DBA Color Health
Classification: Benign for Arrhythmia. Last evaluated: 2019-09-30. Review status: criteria provided, single submitter. Criteria: ACMG Guidelines, 2015. Collection method: clinical testing. Allele origin: germline.

Ambry Genetics
Classification: Likely benign for Cardiovascular phenotype. Last evaluated: 2016-06-27. Review status: criteria provided, single submitter. Criteria: Ambry Variant Classification Scheme 2023. Collection method: clinical testing. Allele origin: germline.

GeneDx
Classification: Benign. Last evaluated: 2015-05-19. Review status: criteria provided, single submitter. Criteria: GeneDx Variant Classification (06012015). Collection method: clinical testing. Allele origin: germline. Affected: yes.
Comment: This variant is considered likely benign or benign based on one or more of the following criteria: it is a conservative change, it occurs at a poorly conserved position in the protein, it is predicted to be benign by multiple in silico algorithms, and/or has population frequency not consistent with disease.

PreventionGenetics, part of Exact Sciences
Classification: Likely benign for KCNQ1-related condition. Last evaluated: 2024-06-11. Review status: no assertion criteria provided. Collection method: clinical testing. Allele origin: germline. Not counted in ClinVar's aggregate classification.
Comment: This variant is classified as likely benign based on ACMG/AMP sequence variant interpretation guidelines (Richards et al. 2015 PMID: 25741868, with internal and published modifications).